The following is an entry in ClinVar:

NM_001145809.2(MYH14):c.3475G>T (p.Asp1159Tyr)

Gene: MYH14 (myosin heavy chain 14; plus strand). Cytogenetic location: 19q13.33.
Variant type: single nucleotide variant.
Coding change: c.3475G>T on transcript NM_001145809.2 (MANE Select); coding-DNA position 3475, G replaced by T.
Protein change: p.Asp1159Tyr; replaces aspartic acid 1159 with tyrosine.
Molecular consequence: missense variant.
Genome position (GRCh38, 1-based): chr19:50,275,998, G>T. VCF-style: chr19-50275998-G-T. GRCh37 (hg19) VCF-style: chr19-50779255-G-T.
Other names: c.3376G>T, p.Asp1126Tyr (NM_001077186.2); c.3352G>T, p.Asp1118Tyr (NM_024729.4); short protein forms D1159Y, D1118Y, D1126Y.
Identifiers: ClinVar variation 178418 (VCV000178418.11), dbSNP rs370256265, ClinGen allele CA182287.

ClinVar aggregate classification (germline): Uncertain significance. Review status: criteria provided, multiple submitters, no conflicts (2 of 4 stars). 4 submissions from 4 submitters: Uncertain significance (4). Last evaluated 2024-10-16.

Conditions:
Inborn genetic diseases. Identifiers: MedGen C0950123, MeSH D030342.

Allele frequency attached by ClinVar (database versions not stated): gnomAD exomes 0.00009 and 0.00035; gnomAD 0.00011; ExAC 0.00012; TOPMed 0.00015; ESP Exome Variant Server 0.00025.
gnomAD v4.1: 509 of 1,612,258 alleles (0.032%); highest among the groups gnomAD compares: Non-Finnish European, 0.042%; 2 homozygotes.

Submissions (4):

Ambry Genetics
Classification: Uncertain significance for Inborn genetic diseases. Last evaluated: 2024-10-16. Review status: criteria provided, single submitter. Criteria: Ambry Variant Classification Scheme 2023. Collection method: clinical testing. Allele origin: germline.

GeneDx
Classification: Uncertain significance. Last evaluated: 2024-10-02. Review status: criteria provided, single submitter. Criteria: GeneDx Variant Classification Process June 2021. Collection method: clinical testing. Allele origin: germline. Affected: yes.
Comment: In silico analysis supports that this missense variant has a deleterious effect on protein structure/function; Has not been previously published as pathogenic or benign to our knowledge

Labcorp Genetics (formerly Invitae), Labcorp
Classification: Uncertain significance. Last evaluated: 2024-09-26. Review status: criteria provided, single submitter. Criteria: Invitae Variant Classification Sherloc (09022015). Collection method: clinical testing. Allele origin: germline.
Comment: This sequence change replaces aspartic acid, which is acidic and polar, with tyrosine, which is neutral and polar, at codon 1118 of the MYH14 protein (p.Asp1118Tyr). This variant is present in population databases (rs370256265, gnomAD 0.02%). This variant has not been reported in the literature in individuals affected with MYH14-related conditions. ClinVar contains an entry for this variant (Variation ID: 178418). Invitae Evidence Modeling of protein sequence and biophysical properties (such as structural, functional, and spatial information, amino acid conservation, physicochemical variation, residue mobility, and thermodynamic stability) indicates that this missense variant is not expected to disrupt MYH14 protein function with a negative predictive value of 80%. In summary, the available evidence is currently insufficient to determine the role of this variant in disease. Therefore, it has been classified as a Variant of Uncertain Significance.

Laboratory for Molecular Medicine, Mass General Brigham Personalized Medicine
Classification: Uncertain significance. Last evaluated: 2013-09-04. Review status: criteria provided, single submitter. Criteria: LMM Criteria. Collection method: clinical testing. Allele origin: germline. Observed: 2 variant alleles.
Comment: The Asp1159Tyr variant in MYH14 has not been reported in individuals with hearin g loss, but has been identified in 0.04% (3/8230) of European American chromosom es by the NHLBI Exome Sequencing Project (dbSN P rs370256265). Although this variant was identified in the general population, its frequency is not high enough to rule out a pathogenic role. Computational an alyses (biochemical amino acid properties, conservation, AlignGVGD, PolyPhen2, a nd SIFT) do not provide strong support for or against an impact to the protein. In summary,additional information is needed to fully assess the clinical signifi cance of the Asp1159Tyr variant.